The following is an entry in ClinVar:

ClinVar aggregate classification (germline): Uncertain significance (1 of 4 stars; one submission).

Conditions:
Early-infantile DEE. Also called: Ohtahara syndrome; Early infantile epileptic encephalopathy with suppression bursts; Early infantile epileptic encephalopathy. Identifiers: Orphanet 1934, MedGen C0393706, MONDO:0800491.

Allele frequency attached by ClinVar (database versions not stated): gnomAD exomes below 0.00001; gnomAD 0.00001; TOPMed 0.00002.
gnomAD v4.1: 7 of 1,614,044 alleles (0.00043%); highest among the groups gnomAD compares: Non-Finnish European, 0.00059%; no homozygotes.

Submission:

Labcorp Genetics (formerly Invitae), Labcorp
Classification: Uncertain significance for Early-infantile DEE. Last evaluated: 2025-10-28. Review status: criteria provided, single submitter. Criteria: Invitae Variant Classification Sherloc (09022015). Collection method: clinical testing. Allele origin: germline.
Comment: This sequence change replaces alanine, which is neutral and non-polar, with aspartic acid, which is acidic and polar, at codon 761 of the SPTAN1 protein (p.Ala761Asp). This variant is present in population databases (rs770359554, gnomAD 0.0009%). This variant has not been reported in the literature in individuals affected with SPTAN1-related conditions. ClinVar contains an entry for this variant (Variation ID: 1052024). Invitae Evidence Modeling of protein sequence and biophysical properties (such as structural, functional, and spatial information, amino acid conservation, physicochemical variation, residue mobility, and thermodynamic stability) has been performed for this missense variant. However, the output from this modeling did not meet the statistical confidence thresholds required to predict the impact of this variant on SPTAN1 protein function. In summary, the available evidence is currently insufficient to determine the role of this variant in disease. Therefore, it has been classified as a Variant of Uncertain Significance.

NM_001130438.3(SPTAN1):c.2282C>A (p.Ala761Asp)

Gene: SPTAN1 (spectrin alpha, non-erythrocytic 1; plus strand). Cytogenetic location: 9q34.11.
Variant type: single nucleotide variant.
Coding change: c.2282C>A on transcript NM_001130438.3 (MANE Select); coding-DNA position 2282, C replaced by A.
Protein change: p.Ala761Asp; replaces alanine 761 with aspartic acid.
Molecular consequence: missense variant.
Genome position (GRCh38, 1-based): chr9:128,584,370, C>A. VCF-style: chr9-128584370-C-A. GRCh37 (hg19) VCF-style: chr9-131346649-C-A.
Other names: c.2282C>A, p.Ala761Asp (NM_001195532.2, NM_001363759.2, NM_001363765.2 and 5 more transcripts); c.2318C>A, p.Ala773Asp (NM_001375312.2, NM_001375318.1); short protein forms A761D, A773D.
Identifiers: ClinVar variation 1052024 (VCV001052024.8), dbSNP rs770359554, ClinGen allele CA5264604.
Genomic context (GRCh38, chr9:128,584,370, plus strand): 5'-CCCGCCAGTTCCAAGATGCTGGCCATTTTGATGCAGAAAACATCAAGAAGAAACAGGAAG[C>A]CCTCGTGGCTCGCTATGAGGCACTCAAGGAGCCCATGGTTGCCCGGAAGCAGAAGCTGGC-3'
Protein context (NP_001123910.1, residues 751-771): DAENIKKKQE[Ala761Asp]LVARYEALKE